The following is an entry in ClinVar:

NM_000092.5(COL4A4):c.3923C>G (p.Pro1308Arg)

Gene: COL4A4 (collagen type IV alpha 4 chain; minus strand). Cytogenetic location: 2q36.3.
Variant type: single nucleotide variant.
Coding change: c.3923C>G on transcript NM_000092.5 (MANE Select); coding-DNA position 3923, C replaced by G.
Protein change: p.Pro1308Arg; replaces proline 1308 with arginine.
Molecular consequence: missense variant.
Genome position (GRCh38, 1-based): chr2:227,030,493, G>C on the plus strand (C>G on the coding strand, the complement: COL4A4 is on the minus strand). VCF-style: chr2-227030493-G-C. GRCh37 (hg19) VCF-style: chr2-227895209-G-C.
Other names: short protein forms P1308R.
Identifiers: ClinVar variation 2691527 (VCV002691527.2), dbSNP rs1327291312, ClinGen allele CA350837273.

ClinVar aggregate classification (germline): Uncertain significance. Review status: criteria provided, multiple submitters, no conflicts (2 of 4 stars). 2 submissions from 2 submitters: Uncertain significance (2). Last evaluated 2025-04-25.

Conditions:
Inborn genetic diseases. Identifiers: MedGen C0950123, MeSH D030342.

Submissions (2):

Ambry Genetics
Classification: Uncertain significance for Inborn genetic diseases. Last evaluated: 2025-04-25. Review status: criteria provided, single submitter. Criteria: Ambry Variant Classification Scheme 2023. Collection method: clinical testing. Allele origin: germline.

Women's Health and Genetics/Laboratory Corporation of America, LabCorp
Classification: Uncertain significance. Last evaluated: 2023-12-08. Review status: criteria provided, single submitter. Criteria: LabCorp Variant Classification Summary - May 2015. Collection method: clinical testing. Allele origin: germline.
Comment: Variant summary: COL4A4 c.3923C>G (p.Pro1308Arg) results in a non-conservative amino acid change in the encoded protein sequence. Three of five in-silico tools predict a damaging effect of the variant on protein function. The variant was absent in 249376 control chromosomes. The available data on variant occurrences in the general population are insufficient to allow any conclusion about variant significance. To our knowledge, no occurrence of c.3923C>G in individuals affected with Alport Syndrome, Autosomal Recessive and no experimental evidence demonstrating its impact on protein function have been reported. No submitters have cited clinical-significance assessments for this variant to ClinVar after 2014. Based on the evidence outlined above, the variant was classified as uncertain significance.